The following is an entry in ClinVar:

ClinVar aggregate classification (germline): Uncertain significance. Review status: criteria provided, multiple submitters, no conflicts (2 of 4 stars). 2 submissions from 2 submitters: Uncertain significance (2). Last evaluated 2025-11-23.

Conditions:
Cardiovascular phenotype. Identifiers: MedGen CN230736.
Hereditary cancer-predisposing syndrome. Also called: Neoplastic Syndromes, Hereditary; Tumor predisposition; Hereditary Cancer Syndrome; Hereditary neoplastic syndrome. Identifiers: Orphanet 140162, MedGen C0027672, MeSH D009386, MONDO:0015356.

Allele frequency attached by ClinVar (database versions not stated): gnomAD exomes below 0.00001.
gnomAD v4.1: 1 of 1,600,412 alleles (0.000062%); highest among the groups gnomAD compares: South Asian, 0.0011%; no homozygotes.

Submissions (2):

Labcorp Genetics (formerly Invitae), Labcorp
Classification: Uncertain significance. Last evaluated: 2025-11-23. Review status: criteria provided, single submitter. Criteria: Invitae Variant Classification Sherloc (09022015). Collection method: clinical testing. Allele origin: germline.
Comment: This sequence change replaces methionine, which is neutral and non-polar, with threonine, which is neutral and polar, at codon 525 of the LZTR1 protein (p.Met525Thr). This variant is not present in population databases (gnomAD no frequency). This variant has not been reported in the literature in individuals affected with LZTR1-related conditions. ClinVar contains an entry for this variant (Variation ID: 1775559). Invitae Evidence Modeling of protein sequence and biophysical properties (such as structural, functional, and spatial information, amino acid conservation, physicochemical variation, residue mobility, and thermodynamic stability) indicates that this missense variant is not expected to disrupt LZTR1 protein function with a negative predictive value of 80%. In summary, the available evidence is currently insufficient to determine the role of this variant in disease. Therefore, it has been classified as a Variant of Uncertain Significance.

Ambry Genetics
Classification: Uncertain significance for Cardiovascular phenotype; Hereditary cancer-predisposing syndrome. Last evaluated: 2023-11-22. Review status: criteria provided, single submitter. Criteria: Ambry Variant Classification Scheme 2023. Collection method: clinical testing. Allele origin: germline.
Comment: The p.M525T variant (also known as c.1574T>C), located in coding exon 14 of the LZTR1 gene, results from a T to C substitution at nucleotide position 1574. The methionine at codon 525 is replaced by threonine, an amino acid with similar properties. This amino acid position is highly conserved in available vertebrate species. In addition, the in silico prediction for this alteration is inconclusive. Since supporting evidence is limited at this time, the clinical significance of this alteration remains unclear.

NM_006767.4(LZTR1):c.1574T>C (p.Met525Thr)

Gene: LZTR1 (leucine zipper like post translational regulator 1; plus strand). Cytogenetic location: 22q11.21.
Variant type: single nucleotide variant.
Coding change: c.1574T>C on transcript NM_006767.4 (MANE Select); coding-DNA position 1574, T replaced by C.
Protein change: p.Met525Thr; replaces methionine 525 with threonine.
Molecular consequence: missense variant.
Genome position (GRCh38, 1-based): chr22:20,994,228, T>C. VCF-style: chr22-20994228-T-C. GRCh37 (hg19) VCF-style: chr22-21348517-T-C.
Other names: short protein forms M525T.
Identifiers: ClinVar variation 1775559 (VCV001775559.3), dbSNP rs1303204189, ClinGen allele CA410776058.